The following is an entry in ClinVar:

ClinVar aggregate classification (germline): Uncertain significance (1 of 4 stars; one submission).

Conditions:
Familial Mediterranean fever (FMF). Also called: POLYSEROSITIS, FAMILIAL PAROXYSMAL; POLYSEROSITIS, RECURRENT; Periodic peritonitis; Benign paroxysmal peritonitis. Identifiers: Orphanet 342, MedGen C0031069, MONDO:0018088, OMIM 249100. Disease mechanism: gain of function.

Submission:

Labcorp Genetics (formerly Invitae), Labcorp
Classification: Uncertain significance for Familial Mediterranean fever. Last evaluated: 2022-10-13. Review status: criteria provided, single submitter. Criteria: Invitae Variant Classification Sherloc (09022015). Collection method: clinical testing. Allele origin: germline.
Comment: This sequence change replaces proline, which is neutral and non-polar, with alanine, which is neutral and non-polar, at codon 283 of the MEFV protein (p.Pro283Ala). This variant is not present in population databases (gnomAD no frequency). This variant has not been reported in the literature in individuals affected with MEFV-related conditions. Algorithms developed to predict the effect of missense changes on protein structure and function (SIFT, PolyPhen-2, Align-GVGD) all suggest that this variant is likely to be tolerated. In summary, the available evidence is currently insufficient to determine the role of this variant in disease. Therefore, it has been classified as a Variant of Uncertain Significance.

NM_000243.3(MEFV):c.847C>G (p.Pro283Ala)

Gene: MEFV (MEFV innate immunity regulator, pyrin; minus strand). Cytogenetic location: 16p13.3.
Variant type: single nucleotide variant.
Coding change: c.847C>G on transcript NM_000243.3 (MANE Select); coding-DNA position 847, C replaced by G.
Protein change: p.Pro283Ala; replaces proline 283 with alanine.
Molecular consequence: missense variant. On other transcripts: intron variant (1).
Genome position (GRCh38, 1-based): chr16:3,254,221, G>C on the plus strand (C>G on the coding strand, the complement: MEFV is on the minus strand). VCF-style: chr16-3254221-G-C. GRCh37 (hg19) VCF-style: chr16-3304221-G-C.
Other names: c.277+2090C>G (NM_001198536.2); short protein forms P283A.
Identifiers: ClinVar variation 2171663 (VCV002171663.4), dbSNP rs2543155635, ClinGen allele CA394476880.